The following is an entry in ClinVar:

ClinVar aggregate classification (germline): Uncertain significance. Review status: criteria provided, single submitter (1 of 4 stars). 2 submissions from 2 submitters: Uncertain significance (1). 1 of the submissions does not count toward it. Last evaluated 2024-03-11.

Conditions:
Citrullinemia type I (CTNL1). Also called: argininosuccinate synthetase deficiency; ASS DEFICIENCY. Identifiers: Orphanet 247525, MedGen C4721769, MONDO:0008988, OMIM 215700.
Citrullinemia. Identifiers: Orphanet 187, MedGen C0175683, MONDO:0015991.

Allele frequency attached by ClinVar (database versions not stated): TOPMed 0.00001; ExAC 0.00002.
gnomAD v4.1: 5 of 1,614,098 alleles (0.00031%); highest among the groups gnomAD compares: Admixed American, 0.005%; no homozygotes.

Submissions (2):

Labcorp Genetics (formerly Invitae), Labcorp
Classification: Uncertain significance for Citrullinemia. Last evaluated: 2024-03-11. Review status: criteria provided, single submitter. Criteria: Invitae Variant Classification Sherloc (09022015). Collection method: clinical testing. Allele origin: germline.
Comment: This sequence change replaces threonine, which is neutral and polar, with arginine, which is basic and polar, at codon 208 of the ASS1 protein (p.Thr208Arg). This variant is present in population databases (rs776441071, gnomAD 0.003%). This variant has not been reported in the literature in individuals affected with ASS1-related conditions. ClinVar contains an entry for this variant (Variation ID: 957772). Advanced modeling of protein sequence and biophysical properties (such as structural, functional, and spatial information, amino acid conservation, physicochemical variation, residue mobility, and thermodynamic stability) performed at Invitae indicates that this missense variant is not expected to disrupt ASS1 protein function with a negative predictive value of 80%. In summary, the available evidence is currently insufficient to determine the role of this variant in disease. Therefore, it has been classified as a Variant of Uncertain Significance.

Natera, Inc.
Classification: Uncertain significance for Citrullinemia type I. Last evaluated: 2020-05-06. Review status: no assertion criteria provided. Collection method: clinical testing. Allele origin: germline. Not counted in ClinVar's aggregate classification.

NM_054012.4(ASS1):c.623C>G (p.Thr208Arg)

Gene: ASS1 (argininosuccinate synthase 1; plus strand). Cytogenetic location: 9q34.11.
Variant type: single nucleotide variant.
Coding change: c.623C>G on transcript NM_054012.4 (MANE Select); coding-DNA position 623, C replaced by G.
Protein change: p.Thr208Arg; replaces threonine 208 with arginine.
Molecular consequence: missense variant.
Genome position (GRCh38, 1-based): chr9:130,476,896, C>G. VCF-style: chr9-130476896-C-G. GRCh37 (hg19) VCF-style: chr9-133352283-C-G.
Other names: c.623C>G, p.Thr208Arg (NM_000050.4); short protein forms T208R.
Identifiers: ClinVar variation 957772 (VCV000957772.9), dbSNP rs776441071, ClinGen allele CA5283404.